The following is an entry in ClinVar:

ClinVar aggregate classification (germline): Uncertain significance (1 of 4 stars; one submission).

Allele frequency attached by ClinVar (database versions not stated): gnomAD exomes below 0.00001; TOPMed below 0.00001.
gnomAD v4.1: 2 of 1,500,062 alleles (0.00013%); highest among the groups gnomAD compares: Admixed American, 0.002%; no homozygotes.

Submission:

Labcorp Genetics (formerly Invitae), Labcorp
Classification: Uncertain significance. Last evaluated: 2023-03-18. Review status: criteria provided, single submitter. Criteria: Invitae Variant Classification Sherloc (09022015). Collection method: clinical testing. Allele origin: germline.
Comment: This sequence change replaces proline, which is neutral and non-polar, with leucine, which is neutral and non-polar, at codon 2050 of the DSCAML1 protein (p.Pro2050Leu). The frequency data for this variant in the population databases is considered unreliable, as metrics indicate poor data quality at this position in the gnomAD database. This variant has not been reported in the literature in individuals affected with DSCAML1-related conditions. An algorithm developed to predict the effect of missense changes on protein structure and function (PolyPhen-2) suggests that this variant is likely to be tolerated. In summary, the available evidence is currently insufficient to determine the role of this variant in disease. Therefore, it has been classified as a Variant of Uncertain Significance.

NM_020693.4(DSCAML1):c.5969C>T (p.Pro1990Leu)

Gene: DSCAML1 (DS cell adhesion molecule like 1; minus strand). Cytogenetic location: 11q23.3.
Variant type: single nucleotide variant.
Coding change: c.5969C>T on transcript NM_020693.4 (MANE Select); coding-DNA position 5969, C replaced by T.
Protein change: p.Pro1990Leu; replaces proline 1990 with leucine.
Molecular consequence: missense variant.
Genome position (GRCh38, 1-based): chr11:117,428,521, G>A on the plus strand (C>T on the coding strand, the complement: DSCAML1 is on the minus strand). VCF-style: chr11-117428521-G-A. GRCh37 (hg19) VCF-style: chr11-117299237-G-A.
Other names: short protein forms P1990L.
Identifiers: ClinVar variation 2847195 (VCV002847195.3), dbSNP rs748130077, ClinGen allele CA6295906.